The following is an entry in ClinVar:

ClinVar aggregate classification (germline): Uncertain significance. Review status: criteria provided, multiple submitters, no conflicts (2 of 4 stars). 2 submissions from 2 submitters: Uncertain significance (2). Last evaluated 2026-07-10.

Conditions:
CHSY1-related disorder. Also called: CHSY1-related condition.
Inborn genetic diseases. Identifiers: MedGen C0950123, MeSH D030342.

gnomAD v4.1: 16 of 1,614,102 alleles (0.00099%); highest among the groups gnomAD compares: Admixed American, 0.023%; no homozygotes.

Submissions (2):

PreventionGenetics, part of Exact Sciences
Classification: Uncertain significance for CHSY1-related condition. Last evaluated: 2026-07-10. Review status: criteria provided, single submitter. Criteria: ACMG Guidelines, 2015. Collection method: clinical testing. Allele origin: germline.
Comment: The CHSY1 c.1087A>G variant is predicted to result in the amino acid substitution p.Met363Val. To our knowledge, this variant has not been reported in the literature. This variant is reported in 0.038% of alleles in individuals of Latino descent in gnomAD. At this time, the clinical significance of this variant is uncertain due to the absence of conclusive functional and genetic evidence.

Ambry Genetics
Classification: Uncertain significance for Inborn genetic diseases. Last evaluated: 2024-06-28. Review status: criteria provided, single submitter. Criteria: Ambry Variant Classification Scheme 2023. Collection method: clinical testing. Allele origin: germline.

NM_014918.5(CHSY1):c.1087A>G (p.Met363Val)

Gene: CHSY1 (chondroitin sulfate synthase 1; minus strand). Cytogenetic location: 15q26.3.
Variant type: single nucleotide variant.
Coding change: c.1087A>G on transcript NM_014918.5 (MANE Select); coding-DNA position 1087, A replaced by G.
Protein change: p.Met363Val; replaces methionine 363 with valine.
Molecular consequence: missense variant.
Genome position (GRCh38, 1-based): chr15:101,178,710, T>C on the plus strand (A>G on the coding strand, the complement: CHSY1 is on the minus strand). VCF-style: chr15-101178710-T-C. GRCh37 (hg19) VCF-style: chr15-101718915-T-C.
Other names: short protein forms M363V.
Identifiers: ClinVar variation 3492786 (VCV003492786.2).